The following is an entry in ClinVar:

NM_033056.4(PCDH15):c.5682dup (p.Ser1895fs)

Gene: PCDH15 (protocadherin related 15; minus strand). Cytogenetic location: 10q21.1.
Variant type: Duplication.
Coding change: c.5682dup on transcript NM_033056.4 (MANE Plus Clinical); coding-DNA position 5682, one base duplicated (A; older notation c.5682dupA).
Protein change: p.Ser1895fs; shifts the reading frame from serine 1895.
Molecular consequence: frameshift variant. On other transcripts: intron variant (8).
Genome position (GRCh38, 1-based): chr10:53,822,044, T duplicated on the plus strand (A on the coding strand, the reverse complement: PCDH15 is on the minus strand); the first of 5 consecutive T bases (chr10:53,822,044-53,822,048); duplicating any one gives the same sequence. VCF-style (leftmost placement, unchanged base first): chr10-53822043-A-AT. GRCh37 (hg19) VCF-style: chr10-55581803-A-AT.
Other names: c.5703dup, p.Ser1902fs (NM_001142763.2); c.5688dup, p.Ser1897fs (NM_001142764.2); c.5475dup, p.Ser1826fs (NM_001142765.2); c.5673dup, p.Ser1892fs (NM_001142766.2); c.5562dup, p.Ser1855fs (NM_001142767.2); c.5622dup, p.Ser1875fs (NM_001142768.2); c.5613dup, p.Ser1872fs (NM_001142773.2); c.5616dup, p.Ser1873fs (NM_001354404.2); and 8 more; short protein forms S1873fs, S1875fs, S1855fs, S1872fs, S1895fs, S1897fs, S1902fs, S1826fs.
Identifiers: ClinVar variation 555681 (VCV000555681.4), dbSNP rs1287068204, ClinGen allele CA658822092.

ClinVar aggregate classification (germline): Likely pathogenic. Review status: criteria provided, single submitter (1 of 4 stars). 2 submissions from 2 submitters: Likely pathogenic (1). 1 of the submissions does not count toward it. Last evaluated 2021-09-21.

Conditions:
Usher syndrome type 1F (USH1F). Also called: USHER SYNDROME, TYPE IF. Identifiers: Orphanet 231169, Orphanet 886, MedGen C1865885, MONDO:0011186, OMIM 602083.

Submissions (2):

Women's Health and Genetics/Laboratory Corporation of America, LabCorp
Classification: Likely pathogenic for Usher syndrome type 1F. Last evaluated: 2021-09-21. Review status: criteria provided, single submitter. Criteria: LabCorp Variant Classification Summary - May 2015. Collection method: clinical testing. Allele origin: germline.
Comment: Variant summary: PCDH15 c.5682dupA (p.Ser1895IlefsX4) results in a premature termination codon, predicted to cause a truncation of the encoded protein or absence of the protein due to nonsense mediated decay, which are commonly known mechanisms for disease. Truncations downstream of this position have not been classified as pathogenic by our laboratory. However, several truncations downstream of this position (example, c.5847_5848delCA, c.5721_5724delTCTA, c.5717dupA) have been reported in association with phenotypes of Retinitis pigmentosa and cone rod dystrophy in the HGMD database. The variant was absent in 251372 control chromosomes. To our knowledge, no occurrence of c.5682dupA in individuals affected with Usher Syndrome Type 1F and no experimental evidence demonstrating its impact on protein function have been reported. One clinical diagnostic laboratory has submitted clinical-significance assessments for this variant to ClinVar after 2014 without evidence for independent evaluation and classified the variant as uncertain significance. Based on the evidence outlined above, the variant was classified as likely pathogenic.

Counsyl
Classification: Uncertain significance for Usher syndrome type 1F. Last evaluated: 2017-12-28. Review status: no assertion criteria provided. Collection method: clinical testing. Allele origin: unknown. Not counted in ClinVar's aggregate classification.